The following is an entry in ClinVar:

ClinVar aggregate classification (germline): Benign/Likely benign. Review status: criteria provided, multiple submitters, no conflicts (2 of 4 stars). 29 submissions from 29 submitters: Benign (18); Likely benign (3). 8 of the submissions do not count toward it. Last evaluated 2026-07-01.

Conditions:
Hereditary cancer-predisposing syndrome. Also called: Neoplastic Syndromes, Hereditary; Hereditary Cancer Syndrome; Tumor predisposition; Hereditary neoplastic syndrome. Identifiers: Orphanet 140162, MedGen C0027672, MeSH D009386, MONDO:0015356.
Breast and/or ovarian cancer. Identifiers: MedGen CN221562.
Hereditary breast ovarian cancer syndrome. Also called: BRCA1- and BRCA2-Associated Hereditary Breast and Ovarian Cancer; Hereditary breast and ovarian cancer syndrome; Hereditary breast and ovarian cancer syndrome (HBOC); Hereditary breast and/or ovarian cancer syndrome; Hereditary breast and ovarian cancer; Breast and ovarian cancer. Identifiers: Orphanet 145, MedGen C0677776, MeSH D061325, MONDO:0003582. Disease mechanism: loss of function.
Familial cancer of breast. Also called: BREAST CANCER, FAMILIAL; hereditary breast carcinoma; Hereditary breast cancer. Identifiers: Orphanet 227535, MedGen C0346153, MONDO:0016419, OMIM 114480. Disease mechanism: loss of function.
Ataxia-telangiectasia syndrome (AT). Also called: Ataxia-telangiectasia, complementation group D; AT, COMPLEMENTATION GROUP C; Ataxia-telangiectasia; ATAXIA-TELANGIECTASIA, COMPLEMENTATION GROUP A; ATAXIA-TELANGIECTASIA, FRESNO VARIANT; Ataxia-telangiectasia, complementation group E. Identifiers: Orphanet 100, MedGen C0004135, MONDO:0008840, OMIM 208900.
Malignant tumor of breast. Also called: Malignant breast neoplasm; Cancer breast. Identifiers: MedGen C0006142, MONDO:0007254. Disease mechanism: loss of function.

Allele frequency attached by ClinVar (database versions not stated): ESP Exome Variant Server 0.00500; gnomAD 0.00517 and 0.00477; gnomAD exomes 0.00049 and 0.00126; 1000 Genomes Project 30x 0.00656; 1000 Genomes Project 0.00659; ExAC 0.00161; TOPMed 0.00553.
gnomAD v4.1: 1,468 of 1,611,198 alleles (0.091%); highest among the groups gnomAD compares: African/African-American, 1.8%; 21 homozygotes.

Submissions 1 to 25 of 29:

CeGaT Center for Human Genetics Tuebingen
Classification: Benign. Last evaluated: 2026-07-01. Review status: criteria provided, single submitter. Criteria: CeGaT Center For Human Genetics Tuebingen Variant Classification Criteria Version 2. Collection method: clinical testing. Allele origin: germline. Affected: yes. Observed: 11 variant alleles.
Comment: ATM: BP4, BS1, BS2

Labcorp Genetics (formerly Invitae), Labcorp
Classification: Benign for Ataxia-telangiectasia syndrome. Last evaluated: 2026-02-04. Review status: criteria provided, single submitter. Criteria: Invitae Variant Classification Sherloc (09022015). Collection method: clinical testing. Allele origin: germline.

Dasa
Classification: Benign. Last evaluated: 2026-01-12. Review status: criteria provided, single submitter. Criteria: DASA Assertion Criteria. Collection method: clinical testing. Allele origin: germline.
Comment: NM_000051.4(ATM):c.6088A>G (p.Ile2030Val) is a missense variant that results in the substitution of isoleucine with valine. Population frequency is inconsistent with a disease-causing role for this variant. Computational prediction algorithms are consistent with a benign effect. Therefore, based on the currently available evidence, this variant is classified as benign.

Center for Genomic Medicine, Rigshospitalet, Copenhagen University Hospital
Classification: Benign. Last evaluated: 2025-03-04. Review status: criteria provided, single submitter. Criteria: ACMG Guidelines, 2015. Collection method: clinical testing. Allele origin: germline.

ARUP Laboratories, Molecular Genetics and Genomics, ARUP Laboratories
Classification: Benign. Last evaluated: 2024-10-11. Review status: criteria provided, single submitter. Criteria: ARUP Molecular Germline Variant Investigation Process 2024. Collection method: clinical testing. Allele origin: germline.

Mayo Clinic Laboratories, Mayo Clinic
Classification: Benign. Last evaluated: 2024-10-02. Review status: criteria provided, single submitter. Criteria: ACMG Guidelines, 2015. Collection method: clinical testing. Allele origin: germline. Observed: 9 variant alleles.
Comment: BA1, BP4

Myriad Genetics, Inc.
Classification: Benign for Familial cancer of breast. Last evaluated: 2024-05-30. Review status: criteria provided, single submitter. Criteria: Myriad Autosomal Dominant, Autosomal Recessive and X-Linked Classification Criteria (2023). Collection method: clinical testing. Allele origin: unknown.
Comment: This variant is considered benign. This variant has been observed at a population frequency that is significantly greater than expected given the associated disease prevalence and penetrance. This variant is strongly associated with less severe personal and family histories of cancer, typical for individuals without pathogenic variants in this gene [PMID: 25085752].

KCCC/NGS Laboratory, Kuwait Cancer Control Center
Classification: Benign for Familial cancer of breast. Last evaluated: 2023-07-07. Review status: criteria provided, single submitter. Criteria: ACMG Guidelines, 2015. Collection method: clinical testing. Allele origin: germline. Affected: yes.

National Health Laboratory Service, Universitas Academic Hospital and University of the Free State
Classification: Likely benign for Hereditary breast ovarian cancer syndrome. Last evaluated: 2022-04-19. Review status: criteria provided, single submitter. Criteria: ACMG Guidelines, 2015. Collection method: clinical testing. Allele origin: germline. Affected: yes. Observed: 5 variant alleles.

CHEO Genetics Diagnostic Laboratory, Children's Hospital of Eastern Ontario
Classification: Benign for Breast and/or ovarian cancer. Last evaluated: 2022-03-21. Review status: criteria provided, single submitter. Criteria: ACMG Guidelines, 2015. Collection method: clinical testing. Allele origin: germline.

Quest Diagnostics Nichols Institute San Juan Capistrano
Classification: Benign. Last evaluated: 2022-02-24. Review status: criteria provided, single submitter. Criteria: Quest Diagnostics criteria. Collection method: clinical testing. Allele origin: unknown.

Sema4
Classification: Benign for Hereditary cancer-predisposing syndrome. Last evaluated: 2020-07-07. Review status: criteria provided, single submitter. Criteria: Sema4 Curation Guidelines. Collection method: curation. Allele origin: germline.

Mendelics
Classification: Likely benign for Ataxia-telangiectasia syndrome. Last evaluated: 2019-05-28. Review status: criteria provided, single submitter. Criteria: Mendelics Assertion Criteria 2017. Collection method: clinical testing. Allele origin: unknown.

GeneDx
Classification: Benign. Last evaluated: 2019-01-16. Review status: criteria provided, single submitter. Criteria: GeneDx Variant Classification Process June 2021. Collection method: clinical testing. Allele origin: germline. Affected: yes.
Comment: This variant is associated with the following publications: (PMID: 22995991, 11746755, 11505391, 24728327, 17517479, 11849780, 25980754)

PreventionGenetics, part of Exact Sciences
Classification: Benign. Last evaluated: 2017-08-11. Review status: criteria provided, single submitter. Criteria: ACMG Guidelines, 2015. Collection method: clinical testing. Allele origin: germline.

Illumina Laboratory Services, Illumina
Classification: Benign for Ataxia-telangiectasia syndrome. Last evaluated: 2017-04-28. Review status: criteria provided, single submitter. Criteria: ICSL Variant Classification Criteria 13 December 2019. Collection method: clinical testing. Allele origin: germline.
Comment: This variant was observed as part of a predisposition screen in an ostensibly healthy population. A literature search was performed for the gene, cDNA change, and amino acid change (where applicable). Publications were found based on this search. The evidence from the literature, in combination with allele frequency data from public databases where available, was sufficient to rule this variant out of causing disease. Therefore, this variant is classified as benign.

Institute for Biomarker Research, Medical Diagnostic Laboratories, L.L.C.
Classification: Likely benign for Hereditary cancer-predisposing syndrome. Last evaluated: 2017-02-14. Review status: criteria provided, single submitter. Criteria: ACMG Guidelines, 2015. Collection method: clinical testing. Allele origin: germline.

Genetic Services Laboratory, University of Chicago
Classification: Benign. Last evaluated: 2016-11-23. Review status: criteria provided, single submitter. Criteria: ACMG Guidelines, 2015. Collection method: clinical testing. Allele origin: germline. Affected: no.

Eurofins Ntd Llc (ga)
Classification: Benign. Last evaluated: 2015-01-07. Review status: criteria provided, single submitter. Criteria: EGL Classification Definitions 2015. Collection method: clinical testing. Allele origin: germline. Observed: 2 variant alleles, 2 heterozygotes.

Color Diagnostics, LLC DBA Color Health
Classification: Benign for Hereditary cancer-predisposing syndrome. Last evaluated: 2014-12-06. Review status: criteria provided, single submitter. Criteria: ACMG Guidelines, 2015. Collection method: clinical testing. Allele origin: germline.

Ambry Genetics
Classification: Benign for Hereditary cancer-predisposing syndrome. Last evaluated: 2014-06-30. Review status: criteria provided, single submitter. Criteria: Ambry Variant Classification Scheme 2023. Collection method: clinical testing. Allele origin: germline.

Natera, Inc.
Classification: Benign for Ataxia-telangiectasia. Last evaluated: 2020-09-16. Review status: no assertion criteria provided. Collection method: clinical testing. Allele origin: germline. Not counted in ClinVar's aggregate classification.

True Health Diagnostics
Classification: Likely benign for Hereditary cancer-predisposing syndrome. Last evaluated: 2017-10-26. Review status: no assertion criteria provided. Collection method: clinical testing. Allele origin: germline. Not counted in ClinVar's aggregate classification.

Counsyl
Classification: Likely benign for Ataxia-telangiectasia syndrome. Last evaluated: 2014-08-28. Review status: no assertion criteria provided. Collection method: literature only. Allele origin: unknown. Inheritance: Autosomal recessive inheritance. Not counted in ClinVar's aggregate classification.

ITMI
No classification provided. Condition: AllHighlyPenetrant. Last evaluated: 2013-09-19. Review status: no classification provided. Collection method: reference population. Allele origin: germline. Not counted in ClinVar's aggregate classification.
Comment: Please see associated publication for description of ethnicities

NM_000051.4(ATM):c.6088A>G (p.Ile2030Val)

Genes: ATM (ATM serine/threonine kinase; plus strand), C11orf65 (chromosome 11 open reading frame 65; minus strand). Cytogenetic location: 11q22.3.
Variant type: single nucleotide variant.
Coding change: c.6088A>G on transcript NM_000051.4 (MANE Select); coding-DNA position 6088, A replaced by G.
Protein change: p.Ile2030Val; replaces isoleucine 2030 with valine.
Molecular consequence: missense variant. On other transcripts: intron variant (2).
Genome position (GRCh38, 1-based): chr11:108,315,904, A>G. VCF-style: chr11-108315904-A-G. GRCh37 (hg19) VCF-style: chr11-108186631-A-G.
Other names: p.I2030V:ATT>GTT; NP_000042.3:p.Ile2030Val; c.6088A>G, p.Ile2030Val (NM_001351834.2); c.641-6833T>C (NM_001330368.2); c.*39-6833T>C (NM_001351110.2); short protein forms I2030V.
Identifiers: ClinVar variation 133628 (VCV000133628.73), dbSNP rs145847315, ClinGen allele CA157147.